The following is an entry in ClinVar:

ClinVar aggregate classification (germline): Conflicting classifications of pathogenicity. Review status: criteria provided, conflicting classifications (1 of 4 stars). 3 submissions from 3 submitters: Uncertain significance (1); Likely benign (1). 1 of the submissions does not count toward it. Last evaluated 2024-05-29.

Conditions:
Inborn genetic diseases. Identifiers: MedGen C0950123, MeSH D030342.
Charcot-Marie-Tooth disease type 4. Also called: Charcot-Marie-Tooth disease, type IV; Charcot-Marie-Tooth, Type 4. Identifiers: Orphanet 64749, MedGen C4082197, MONDO:0018995.
Charcot-Marie-Tooth disease type 4D. Also called: Charcot-Marie-Tooth Neuropathy Type 4D; NEUROPATHY, HEREDITARY MOTOR AND SENSORY, LOM TYPE; CHARCOT-MARIE-TOOTH DISEASE, DEMYELINATING, TYPE 4D; CHARCOT-MARIE-TOOTH DISEASE, DEMYELINATING, AUTOSOMAL RECESSIVE, TYPE 4D. Identifiers: Orphanet 99950, MedGen C1832334, MONDO:0011085, OMIM 601455.

Allele frequency attached by ClinVar (database versions not stated): ExAC 0.00006; ESP Exome Variant Server 0.00015; 1000 Genomes Project 30x 0.00016; TOPMed 0.00017; 1000 Genomes Project 0.00020.
gnomAD v4.1: 42 of 1,614,206 alleles (0.0026%); highest among the groups gnomAD compares: African/African-American, 0.053%; no homozygotes.

Submissions (3):

Ambry Genetics
Classification: Likely benign for Inborn genetic diseases. Last evaluated: 2024-05-29. Review status: criteria provided, single submitter. Criteria: Ambry Variant Classification Scheme 2023. Collection method: clinical testing. Allele origin: germline.

Labcorp Genetics (formerly Invitae), Labcorp
Classification: Uncertain significance for Charcot-Marie-Tooth disease type 4. Last evaluated: 2022-08-07. Review status: criteria provided, single submitter. Criteria: Invitae Variant Classification Sherloc (09022015). Collection method: clinical testing. Allele origin: germline.
Comment: This sequence change replaces lysine, which is basic and polar, with arginine, which is basic and polar, at codon 53 of the NDRG1 protein (p.Lys53Arg). This variant is present in population databases (rs140634799, gnomAD 0.06%). This variant has not been reported in the literature in individuals affected with NDRG1-related conditions. ClinVar contains an entry for this variant (Variation ID: 649538). Algorithms developed to predict the effect of missense changes on protein structure and function (SIFT, PolyPhen-2, Align-GVGD) all suggest that this variant is likely to be tolerated. Algorithms developed to predict the effect of sequence changes on RNA splicing suggest that this variant may create or strengthen a splice site. In summary, the available evidence is currently insufficient to determine the role of this variant in disease. Therefore, it has been classified as a Variant of Uncertain Significance.

Natera, Inc.
Classification: Uncertain significance for Charcot-Marie-Tooth disease type 4D. Last evaluated: 2020-09-11. Review status: no assertion criteria provided. Collection method: clinical testing. Allele origin: germline. Not counted in ClinVar's aggregate classification.

Literature cited by the submitters: PubMed 36413997 (cited by Ambry Genetics).

NM_006096.4(NDRG1):c.158A>G (p.Lys53Arg)

Gene: NDRG1 (N-myc downstream regulated 1; minus strand). Cytogenetic location: 8q24.22.
Variant type: single nucleotide variant.
Coding change: c.158A>G on transcript NM_006096.4 (MANE Select); coding-DNA position 158, A replaced by G.
Protein change: p.Lys53Arg; replaces lysine 53 with arginine.
Molecular consequence: missense variant. On other transcripts: 5 prime UTR variant (2), intron variant (1).
Genome position (GRCh38, 1-based): chr8:133,264,594, T>C on the plus strand (A>G on the coding strand, the complement: NDRG1 is on the minus strand). VCF-style: chr8-133264594-T-C. GRCh37 (hg19) VCF-style: chr8-134276837-T-C.
Other names: c.158A>G, p.Lys53Arg (NM_001135242.2, NM_001374844.1, NM_001374845.1 and 1 more transcripts); c.-41A>G (NM_001258432.2, NM_001374847.1); c.-38-2427A>G (NM_001258433.2); short protein forms K53R.
Identifiers: ClinVar variation 649538 (VCV000649538.7), dbSNP rs140634799, ClinGen allele CA4886871.